The following is an entry in ClinVar:

NM_004336.5(BUB1):c.52T>C (p.Tyr18His)

Gene: BUB1 (BUB1 mitotic checkpoint serine/threonine kinase; minus strand). Cytogenetic location: 2q13.
Variant type: single nucleotide variant.
Coding change: c.52T>C on transcript NM_004336.5 (MANE Select); coding-DNA position 52, T replaced by C.
Protein change: p.Tyr18His; replaces tyrosine 18 with histidine.
Molecular consequence: missense variant. On other transcripts: intron variant (1).
Genome position (GRCh38, 1-based): chr2:110,674,340, A>G on the plus strand (T>C on the coding strand, the complement: BUB1 is on the minus strand). VCF-style: chr2-110674340-A-G. GRCh37 (hg19) VCF-style: chr2-111431917-A-G.
Other names: c.52T>C, p.Tyr18His (NM_001278617.2); c.27-116T>C (NM_001278616.2); short protein forms Y18H.
Identifiers: ClinVar variation 1746699 (VCV001746699.3), dbSNP rs773696155, ClinGen allele CA1828465.
Genomic context (GRCh38, chr2:110,674,340, plus strand): 5'-GGGAAATAAAATAACTAAATGCTGACCTTTCCCATTCACCAAGAGGGTCATTGCCCTTGT[A>G]GCTCTGCATGTGGGCTTCAAGCATCCTAGAAGAGAGAAAGGTATGCACATGGGATATTAG-3'
Protein context (NP_004327.1, residues 8-28): LQMLEAHMQS[Tyr18His]KGNDPLGEWE

ClinVar aggregate classification (germline): Uncertain significance (1 of 4 stars; one submission).

Allele frequency attached by ClinVar (database versions not stated): ExAC 0.00001; gnomAD exomes 0.00002.
gnomAD v4.1: 16 of 1,613,970 alleles (0.00099%); highest among the groups gnomAD compares: African/African-American, 0.0053%; no homozygotes.

Submission:

Ambry Genetics
Classification: Uncertain significance. Last evaluated: 2024-11-11. Review status: criteria provided, single submitter. Criteria: Ambry Variant Classification Scheme 2023. Collection method: clinical testing. Allele origin: germline.
Comment: The p.Y18H variant (also known as c.52T>C), located in coding exon 2 of the BUB1 gene, results from a T to C substitution at nucleotide position 52. The tyrosine at codon 18 is replaced by histidine, an amino acid with similar properties. This amino acid position is conserved. In addition, this alteration is predicted to be deleterious by in silico analysis. Since supporting evidence is limited at this time, the clinical significance of this alteration remains unclear.